The following is an entry in ClinVar:

NM_004285.4(H6PD):c.2137G>A (p.Glu713Lys)

Gene: H6PD (hexose-6-phosphate dehydrogenase/glucose 1-dehydrogenase; plus strand). Cytogenetic location: 1p36.22.
Variant type: single nucleotide variant.
Coding change: c.2137G>A on transcript NM_004285.4 (MANE Select); coding-DNA position 2137, G replaced by A.
Protein change: p.Glu713Lys; replaces glutamic acid 713 with lysine.
Molecular consequence: missense variant.
Genome position (GRCh38, 1-based): chr1:9,264,630, G>A. VCF-style: chr1-9264630-G-A. GRCh37 (hg19) VCF-style: chr1-9324689-G-A.
Other names: c.2170G>A, p.Glu724Lys (NM_001282587.2); short protein forms E713K, E724K.
Identifiers: ClinVar variation 1957194 (VCV001957194.5), dbSNP rs772024040, ClinGen allele CA575523.

ClinVar aggregate classification (germline): Uncertain significance (1 of 4 stars; one submission).

Allele frequency attached by ClinVar (database versions not stated): ExAC 0.00001; gnomAD exomes 0.00001; TOPMed 0.00001.
gnomAD v4.1: 9 of 1,613,048 alleles (0.00056%); highest among the groups gnomAD compares: Admixed American, 0.0033%; no homozygotes.

Submission:

Labcorp Genetics (formerly Invitae), Labcorp
Classification: Uncertain significance. Last evaluated: 2022-03-18. Review status: criteria provided, single submitter. Criteria: Invitae Variant Classification Sherloc (09022015). Collection method: clinical testing. Allele origin: germline.
Comment: Algorithms developed to predict the effect of missense changes on protein structure and function output the following: SIFT: "Tolerated"; PolyPhen-2: "Benign"; Align-GVGD: "Class C0". The lysine amino acid residue is found in multiple mammalian species, which suggests that this missense change does not adversely affect protein function. This sequence change replaces glutamic acid, which is acidic and polar, with lysine, which is basic and polar, at codon 713 of the H6PD protein (p.Glu713Lys). The frequency data for this variant in the population databases is considered unreliable, as metrics indicate poor data quality at this position in the gnomAD database. This variant has not been reported in the literature in individuals affected with H6PD-related conditions. In summary, the available evidence is currently insufficient to determine the role of this variant in disease. Therefore, it has been classified as a Variant of Uncertain Significance.